The following is an entry in ClinVar:

ClinVar aggregate classification (germline): Conflicting classifications of pathogenicity. Review status: criteria provided, conflicting classifications (1 of 4 stars). 2 submissions from 2 submitters: Pathogenic (1); Uncertain significance (1). Last evaluated 2026-08-06.

Conditions:
Oligosynaptic infertility (SPGF1). Also called: SPERMATOGENIC FAILURE 1; OLIGOCHIASMATIC INFERTILITY. Identifiers: MedGen C0403810, MONDO:0009776, OMIM 258150.
46 XY differences of sex development. Also called: 46, XY disorder of sex development (DSD); 46,XY disorder of sex development. Identifiers: Orphanet 98085, MedGen C2751824, MONDO:0020040.
Differences in sex development.

Allele frequency attached by ClinVar (database versions not stated): gnomAD exomes below 0.00001; gnomAD 0.00001.
gnomAD v4.1: 2 of 1,600,104 alleles (0.00012%); highest among the groups gnomAD compares: Non-Finnish European, 0.00017%; no homozygotes.

Submissions (2):

NHS Central & South Genomic Laboratory Hub
Classification: Uncertain significance for Differences in sex development. Last evaluated: 2026-08-06. Review status: criteria provided, single submitter. Criteria: ACMG Guidelines, 2015. Collection method: clinical testing. Allele origin: germline. Affected: yes.

Labcorp Genetics (formerly Invitae), Labcorp
Classification: Pathogenic for 46 XY differences of sex development; Oligosynaptic infertility. Last evaluated: 2024-02-23. Review status: criteria provided, single submitter. Criteria: Invitae Variant Classification Sherloc (09022015). Collection method: clinical testing. Allele origin: germline.
Comment: This sequence change replaces glycine, which is neutral and non-polar, with arginine, which is basic and polar, at codon 328 of the NR5A1 protein (p.Gly328Arg). This variant is not present in population databases (gnomAD no frequency). This missense change has been observed in individual(s) with clinical features of NR5A1-related conditions (PMID: 30425642, 32738419; Invitae). In at least one individual the variant was observed to be de novo. ClinVar contains an entry for this variant (Variation ID: 958009). Advanced modeling of protein sequence and biophysical properties (such as structural, functional, and spatial information, amino acid conservation, physicochemical variation, residue mobility, and thermodynamic stability) performed at Invitae indicates that this missense variant is not expected to disrupt NR5A1 protein function with a negative predictive value of 80%. This variant disrupts the p.Gly328 amino acid residue in NR5A1. Other variant(s) that disrupt this residue have been observed in individuals with NR5A1-related conditions (PMID: 22474171, 29935645, 30425642), which suggests that this may be a clinically significant amino acid residue. For these reasons, this variant has been classified as Pathogenic.

Literature cited by the submitters: PubMed 30425642 (cited by Labcorp Genetics (formerly Invitae), Labcorp); PubMed 32738419 (cited by Labcorp Genetics (formerly Invitae), Labcorp); PubMed 22474171 (cited by Labcorp Genetics (formerly Invitae), Labcorp); PubMed 29935645 (cited by Labcorp Genetics (formerly Invitae), Labcorp).

NM_004959.5(NR5A1):c.982G>A (p.Gly328Arg)

Gene: NR5A1 (nuclear receptor subfamily 5 group A member 1; minus strand). Cytogenetic location: 9q33.3.
Variant type: single nucleotide variant.
Coding change: c.982G>A on transcript NM_004959.5 (MANE Select); coding-DNA position 982, G replaced by A.
Protein change: p.Gly328Arg; replaces glycine 328 with arginine.
Molecular consequence: missense variant.
Genome position (GRCh38, 1-based): chr9:124,493,038, C>T on the plus strand (G>A on the coding strand, the complement: NR5A1 is on the minus strand). VCF-style: chr9-124493038-C-T. GRCh37 (hg19) VCF-style: chr9-127255317-C-T.
Other names: short protein forms G328R.
Identifiers: ClinVar variation 958009 (VCV000958009.11), dbSNP rs1832340912, ClinGen allele CA374881919.